The following is an entry in ClinVar:

NM_001009944.3(PKD1):c.403T>A (p.Trp135Arg)

Gene: PKD1 (polycystin 1, transient receptor potential channel interacting; minus strand). Cytogenetic location: 16p13.3.
Variant type: single nucleotide variant.
Coding change: c.403T>A on transcript NM_001009944.3 (MANE Select); coding-DNA position 403, T replaced by A.
Protein change: p.Trp135Arg; replaces tryptophan 135 with arginine.
Molecular consequence: missense variant.
Genome position (GRCh38, 1-based): chr16:2,118,802, A>T on the plus strand (T>A on the coding strand, the complement: PKD1 is on the minus strand). VCF-style: chr16-2118802-A-T. GRCh37 (hg19) VCF-style: chr16-2168803-A-T.
Other names: c.403T>A, p.Trp135Arg (NM_000296.4); short protein forms W135R.
Identifiers: ClinVar variation 4055838 (VCV004055838.1).
Genomic context (GRCh38, chr16:2,118,802, plus strand): 5'-ACGTGGCTGCCTCGGGCTGCACCACCCGCACCTGCTGCTCCTCCGCCCATCGCGGCAGCC[A>T]CGCCAGGCCACAGTCACACTCAAACGGGTTCCCACTCAGGTTTCTGCAGGGCAGGGGCAG-3'
Protein context (NP_001009944.3, residues 125-145): NPFECDCGLA[Trp135Arg]LPRWAEEQQV

ClinVar aggregate classification (germline): Uncertain significance (1 of 4 stars; one submission).

Submission:

GeneDx
Classification: Uncertain significance. Last evaluated: 2025-01-06. Review status: criteria provided, single submitter. Criteria: GeneDx Variant Classification Process June 2021. Collection method: clinical testing. Allele origin: germline. Affected: yes.
Comment: Not observed at significant frequency in large population cohorts (gnomAD); In silico analysis supports that this missense variant has a deleterious effect on protein structure/function; Has not been previously published as pathogenic or benign to our knowledge